The following is an entry in ClinVar:

NM_152542.5(PPM1K):c.1057A>G (p.Lys353Glu)

Gene: PPM1K (protein phosphatase, Mg2+/Mn2+ dependent 1K; minus strand). Cytogenetic location: 4q22.1.
Variant type: single nucleotide variant.
Coding change: c.1057A>G on transcript NM_152542.5 (MANE Select); coding-DNA position 1057, A replaced by G.
Protein change: p.Lys353Glu; replaces lysine 353 with glutamic acid.
Molecular consequence: missense variant.
Genome position (GRCh38, 1-based): chr4:88,262,657, T>C on the plus strand (A>G on the coding strand, the complement: PPM1K is on the minus strand). VCF-style: chr4-88262657-T-C. GRCh37 (hg19) VCF-style: chr4-89183809-T-C.
Other names: c.1057A>G (NM_152542.3); short protein forms K353E.
Identifiers: ClinVar variation 1387128 (VCV001387128.7), dbSNP rs199904313, ClinGen allele CA3005105.

ClinVar aggregate classification (germline): Uncertain significance. Review status: criteria provided, multiple submitters, no conflicts (2 of 4 stars). 2 submissions from 2 submitters: Uncertain significance (2). Last evaluated 2023-10-30.

Conditions:
Maple syrup urine disease, mild variant (MSUDMV). Identifiers: Orphanet 511, MedGen C3554575, MONDO:0014057, OMIM 615135.

Allele frequency attached by ClinVar (database versions not stated): TOPMed 0.00010; ESP Exome Variant Server 0.00015; gnomAD 0.00002 and 0.00003; gnomAD exomes 0.00002; ExAC 0.00004.
gnomAD v4.1: 31 of 1,614,036 alleles (0.0019%); highest among the groups gnomAD compares: Middle Eastern, 0.082%; no homozygotes.

Submissions (2):

Ambry Genetics
Classification: Uncertain significance. Last evaluated: 2023-10-30. Review status: criteria provided, single submitter. Criteria: Ambry Variant Classification Scheme 2023. Collection method: clinical testing. Allele origin: germline.

Labcorp Genetics (formerly Invitae), Labcorp
Classification: Uncertain significance for Maple syrup urine disease, mild variant. Last evaluated: 2021-08-06. Review status: criteria provided, single submitter. Criteria: Invitae Variant Classification Sherloc (09022015). Collection method: clinical testing. Allele origin: germline.
Comment: Algorithms developed to predict the effect of missense changes on protein structure and function (SIFT, PolyPhen-2, Align-GVGD) all suggest that this variant is likely to be tolerated. In summary, the available evidence is currently insufficient to determine the role of this variant in disease. Therefore, it has been classified as a Variant of Uncertain Significance. This variant has not been reported in the literature in individuals affected with PPM1K-related conditions. This variant is present in population databases (rs199904313, ExAC 0.006%). This sequence change replaces lysine with glutamic acid at codon 353 of the PPM1K protein (p.Lys353Glu). The lysine residue is highly conserved and there is a small physicochemical difference between lysine and glutamic acid.